The following is an entry in ClinVar:

ClinVar aggregate classification (germline): Conflicting classifications of pathogenicity. Review status: criteria provided, conflicting classifications (1 of 4 stars). 4 submissions from 4 submitters: Uncertain significance (1); Benign (3). Last evaluated 2024-11-26.

Allele frequency attached by ClinVar (database versions not stated): 1000 Genomes Project 0.03894; 1000 Genomes Project 30x 0.04013.
gnomAD v4.1: 70,044 of 1,612,082 alleles (4.3%); highest among the groups gnomAD compares: Middle Eastern, 8.8%; 540 homozygotes.

Submissions (4):

Blueprint Genetics
Classification: Uncertain significance. Last evaluated: 2024-11-26. Review status: criteria provided, single submitter. Criteria: ACMG Guidelines, 2015. Collection method: clinical testing. Allele origin: germline.

GeneDx
Classification: Benign. Last evaluated: 2019-04-19. Review status: criteria provided, single submitter. Criteria: GeneDx Variant Classification Process June 2021. Collection method: clinical testing. Allele origin: germline. Affected: yes.
Comment: This variant is associated with the following publications: (PMID: 24782186, 8609432)

Laboratory for Molecular Medicine, Mass General Brigham Personalized Medicine
Classification: Benign. Last evaluated: 2016-03-28. Review status: criteria provided, single submitter. Criteria: LMM Criteria. Collection method: clinical testing. Allele origin: germline.
Comment: Variant identified in a genome or exome case(s) and assessed due to predicted null impact of the variant or pathogenic assertions in the literature or databases. Disclaimer: This variant has not undergone full assessment. The following are preliminary notes: Frequency

Breakthrough Genomics
Classification: Benign. Review status: criteria provided, single submitter. Criteria: ACMG Guidelines, 2015. Collection method: not provided. Allele origin: germline. Inheritance: Autosomal recessive inheritance. Affected: yes.

NM_000569.8(FCGR3A):c.197T>G (p.Leu66Arg)

Gene: FCGR3A (Fc gamma receptor IIIa; minus strand). Cytogenetic location: 1q23.3.
Variant type: single nucleotide variant.
Coding change: c.197T>G on transcript NM_000569.8 (MANE Select); coding-DNA position 197, T replaced by G.
Protein change: p.Leu66Arg; replaces leucine 66 with arginine.
Molecular consequence: missense variant.
Genome position (GRCh38, 1-based): chr1:161,548,543, A>C on the plus strand (T>G on the coding strand, the complement: FCGR3A is on the minus strand). VCF-style: chr1-161548543-A-C. GRCh37 (hg19) VCF-style: chr1-161518333-A-C.
Other names: c.305T>G (NM_000569.6); c.509T>G, p.Leu170Arg (NM_001127592.2); c.197T>G, p.Leu66Arg (NM_001127593.1, NM_001127595.2, NM_001329120.2); c.194T>G, p.Leu65Arg (NM_001127596.2, NM_001386450.1); c.512T>G, p.Leu171Arg (NM_001329122.1); short protein forms L66R, L170R, L171R, L65R.
Identifiers: ClinVar variation 402857 (VCV000402857.9), dbSNP rs10127939, ClinGen allele CA1211499.
Genomic context (GRCh38, chr1:161,548,543, plus strand): 5'-TCTCCACTGTCGTCGACTGTGGCAGCGTCAATGAAGTAGCTCGAGGCCTGGCTTGAGATG[A>C]GGCTCTCATTGTGAAACCACTGTGTGGAATTGTCCTCAGGGGAGTAGGCTCCCTGGCACT-3'
Protein context (NP_000560.7, residues 56-76): NSTQWFHNES[Leu66Arg]ISSQASSYFI